The following is an entry in ClinVar:

ClinVar aggregate classification (germline): Uncertain significance (1 of 4 stars; one submission).

Conditions:
Werner syndrome (WRN). Identifiers: Orphanet 902, MedGen C0043119, MONDO:0010196, OMIM 277700.

Allele frequency attached by ClinVar (database versions not stated): gnomAD exomes below 0.00001; ExAC 0.00002.
gnomAD v4.1: 5 of 1,613,970 alleles (0.00031%); highest among the groups gnomAD compares: Non-Finnish European, 0.00042%; no homozygotes.

Submission:

Labcorp Genetics (formerly Invitae), Labcorp
Classification: Uncertain significance for Werner syndrome. Last evaluated: 2023-12-04. Review status: criteria provided, single submitter. Criteria: Invitae Variant Classification Sherloc (09022015). Collection method: clinical testing. Allele origin: germline.
Comment: This sequence change replaces lysine, which is basic and polar, with glutamic acid, which is acidic and polar, at codon 266 of the WRN protein (p.Lys266Glu). This variant is present in population databases (rs756669569, gnomAD 0.002%). This variant has not been reported in the literature in individuals affected with WRN-related conditions. Algorithms developed to predict the effect of missense changes on protein structure and function output the following: SIFT: "Not Available"; PolyPhen-2: "Benign"; Align-GVGD: "Not Available". The glutamic acid amino acid residue is found in multiple mammalian species, which suggests that this missense change does not adversely affect protein function. In summary, the available evidence is currently insufficient to determine the role of this variant in disease. Therefore, it has been classified as a Variant of Uncertain Significance.

NM_000553.6(WRN):c.796A>G (p.Lys266Glu)

Gene: WRN (WRN RecQ like helicase; plus strand). Cytogenetic location: 8p12.
Variant type: single nucleotide variant.
Coding change: c.796A>G on transcript NM_000553.6 (MANE Select); coding-DNA position 796, A replaced by G.
Protein change: p.Lys266Glu; replaces lysine 266 with glutamic acid.
Molecular consequence: missense variant.
Genome position (GRCh38, 1-based): chr8:31,076,244, A>G. VCF-style: chr8-31076244-A-G. GRCh37 (hg19) VCF-style: chr8-30933760-A-G.
Other names: short protein forms K266E.
Identifiers: ClinVar variation 2717166 (VCV002717166.3), dbSNP rs756669569, ClinGen allele CA4704165.